The following is an entry in ClinVar:

NM_017886.4(ULK4):c.3250C>T (p.Leu1084=)

Gene: ULK4 (unc-51 like kinase 4; minus strand). Cytogenetic location: 3p22.1.
Variant type: single nucleotide variant.
Coding change: c.3250C>T on transcript NM_017886.4 (MANE Select); coding-DNA position 3250, C replaced by T.
Protein change: p.Leu1084=; no amino-acid change (leucine 1084 retained).
Molecular consequence: synonymous variant. On other transcripts: non-coding transcript variant (1).
Genome position (GRCh38, 1-based): chr3:41,463,230, G>A on the plus strand (C>T on the coding strand, the complement: ULK4 is on the minus strand). VCF-style: chr3-41463230-G-A. GRCh37 (hg19) VCF-style: chr3-41504721-G-A.
Other names: c.3250C>T, p.Leu1084= (NM_001322500.2); c.2344C>T, p.Leu782= (NM_001322501.2).
Identifiers: ClinVar variation 3040202 (VCV003040202.2), dbSNP rs200243418, ClinGen allele CA2331525.

ClinVar aggregate classification (germline): Likely benign (0 of 4 stars; one submission).

Conditions:
ULK4-related disorder. Also called: ULK4-related condition.

Allele frequency attached by ClinVar (database versions not stated): gnomAD exomes 0.00003; ExAC 0.00006; gnomAD 0.00007.
gnomAD v4.1: 65 of 1,613,354 alleles (0.004%); highest among the groups gnomAD compares: Middle Eastern, 0.033%; no homozygotes.

Submission:

PreventionGenetics, part of Exact Sciences
Classification: Likely benign for ULK4-related condition. Last evaluated: 2019-09-17. Review status: no assertion criteria provided. Collection method: clinical testing. Allele origin: germline.
Comment: This variant is classified as likely benign based on ACMG/AMP sequence variant interpretation guidelines (Richards et al. 2015 PMID: 25741868, with internal and published modifications).